The following is an entry in ClinVar:

ClinVar aggregate classification (germline): Pathogenic (1 of 4 stars; one submission).

Conditions:
Neurometabolic disorder due to serine deficiency. Identifiers: Orphanet 35705, MedGen C5680148, MONDO:0018162.

Submission:

Myriad Genetics, Inc.
Classification: Pathogenic for Neurometabolic disorder due to serine deficiency. Last evaluated: 2025-06-28. Review status: criteria provided, single submitter. Criteria: Myriad Autosomal Dominant, Autosomal Recessive and X-Linked Classification Criteria (2023). Collection method: clinical testing. Allele origin: unknown.
Comment: NM_006623.3(PHGDH):c.246delT(N82Kfs*15) is expected to be pathogenic in the context of serine deficiency disorder, PHGDH-related. This variant is predicted to lead to an abnormal or absent protein product due to the creation of a premature termination codon in PHGDH, a gene where loss-of-function variants are known to be pathogenic. Please note: this variant was assessed in the context of healthy population screening.

NM_006623.4(PHGDH):c.246del (p.Asn82fs)

Gene: PHGDH (phosphoglycerate dehydrogenase; plus strand). Cytogenetic location: 1p12.
Variant type: Deletion.
Coding change: c.246del on transcript NM_006623.4 (MANE Select); coding-DNA position 246, one base deleted (T; older notation c.246delT).
Protein change: p.Asn82fs; shifts the reading frame from asparagine 82.
Molecular consequence: frameshift variant.
Genome position (GRCh38, 1-based): chr1:119,721,277, T deleted. VCF-style (leftmost placement, unchanged base first): chr1-119721276-AT-A. GRCh37 (hg19) VCF-style: chr1-120263899-AT-A.
Other names: short protein forms N82fs.
Identifiers: ClinVar variation 5014654 (VCV005014654.1).